The following is an entry in ClinVar:

NM_033310.3(KCNK4):c.203C>T (p.Ala68Val)

Genes: KCNK4-CATSPERZ (KCNK4-CATSPERZ readthrough (NMD candidate); plus strand), KCNK4 (potassium two pore domain channel subfamily K member 4; plus strand). Cytogenetic location: 11q13.1.
Variant type: single nucleotide variant.
Coding change: c.203C>T on transcript NM_033310.3 (MANE Select); coding-DNA position 203, C replaced by T.
Protein change: p.Ala68Val; replaces alanine 68 with valine.
Molecular consequence: missense variant. On other transcripts: non-coding transcript variant (3).
Genome position (GRCh38, 1-based): chr11:64,296,891, C>T. VCF-style: chr11-64296891-C-T. GRCh37 (hg19) VCF-style: chr11-64064363-C-T.
Other names: c.203C>T, p.Ala68Val (NM_001317090.2); short protein forms A68V.
Identifiers: ClinVar variation 3369365 (VCV003369365.1).

ClinVar aggregate classification (germline): Uncertain significance (1 of 4 stars; one submission).

Submission:

GeneDx
Classification: Uncertain significance. Last evaluated: 2024-02-25. Review status: criteria provided, single submitter. Criteria: GeneDx Variant Classification Process June 2021. Collection method: clinical testing. Allele origin: germline. Affected: yes.
Comment: Not observed at significant frequency in large population cohorts (gnomAD); In silico analysis supports that this missense variant has a deleterious effect on protein structure/function; Has not been previously published as pathogenic or benign to our knowledge